The following is an entry in ClinVar:

NM_021975.4(RELA):c.915A>G (p.Thr305=)

Gene: RELA (RELA proto-oncogene, NF-kB subunit; minus strand). Cytogenetic location: 11q13.1.
Variant type: single nucleotide variant.
Coding change: c.915A>G on transcript NM_021975.4 (MANE Select); coding-DNA position 915, A replaced by G.
Protein change: p.Thr305=; no amino-acid change (threonine 305 retained).
Molecular consequence: synonymous variant.
Genome position (GRCh38, 1-based): chr11:65,655,898, T>C on the plus strand (A>G on the coding strand, the complement: RELA is on the minus strand). VCF-style: chr11-65655898-T-C. GRCh37 (hg19) VCF-style: chr11-65423369-T-C.
Other names: c.906A>G, p.Thr302= (NM_001145138.2); c.915A>G, p.Thr305= (NM_001243984.2, NM_001243985.2); c.915A>G (NM_021975.3).
Identifiers: ClinVar variation 1422523 (VCV001422523.9), dbSNP rs1189824817, ClinGen allele CA475476065.

ClinVar aggregate classification (germline): Likely benign. Review status: criteria provided, multiple submitters, no conflicts (2 of 4 stars). 2 submissions from 2 submitters: Likely benign (2). Last evaluated 2025-04-10.

Conditions:
RELA-related disorder. Also called: RELA-related condition.

Allele frequency attached by ClinVar (database versions not stated): gnomAD 0.00001; TOPMed 0.00002.
gnomAD v4.1: 63 of 1,614,070 alleles (0.0039%); highest among the groups gnomAD compares: Non-Finnish European, 0.0051%; no homozygotes.

Submissions (2):

Labcorp Genetics (formerly Invitae), Labcorp
Classification: Likely benign. Last evaluated: 2025-04-10. Review status: criteria provided, single submitter. Criteria: Invitae Variant Classification Sherloc (09022015). Collection method: clinical testing. Allele origin: germline.

PreventionGenetics, part of Exact Sciences
Classification: Likely benign for RELA-related condition. Last evaluated: 2024-10-25. Review status: criteria provided, single submitter. Criteria: ACMG Guidelines, 2015. Collection method: clinical testing. Allele origin: germline.
Comment: This variant is classified as likely benign based on ACMG/AMP sequence variant interpretation guidelines (Richards et al. 2015 PMID: 25741868, with internal and published modifications).